The following is an entry in ClinVar:

ClinVar aggregate classification (germline): Uncertain significance. Review status: criteria provided, multiple submitters, no conflicts (2 of 4 stars). 3 submissions from 3 submitters: Uncertain significance (2). 1 of the submissions does not count toward it. Last evaluated 2025-07-29.

Conditions:
Charcot-Marie-Tooth disease type 2. Also called: Charcot-Marie-Tooth type 2. Identifiers: Orphanet 64746, MedGen C0270914, MONDO:0018993.
LMNA-related disorder. Also called: LMNA-related disorders; LMNA-related condition; LMNA-related disease. Identifiers: MedGen CN380145.
Cardiovascular phenotype. Identifiers: MedGen CN230736.

Allele frequency attached by ClinVar (database versions not stated): ExAC 0.00001; gnomAD exomes below 0.00001; TOPMed 0.00001.
gnomAD v4.1: 8 of 1,607,794 alleles (0.0005%); highest among the groups gnomAD compares: African/African-American, 0.0013%; no homozygotes.

Submissions (3):

Labcorp Genetics (formerly Invitae), Labcorp
Classification: Uncertain significance for Charcot-Marie-Tooth disease type 2. Last evaluated: 2025-07-29. Review status: criteria provided, single submitter. Criteria: Invitae Variant Classification Sherloc (09022015). Collection method: clinical testing. Allele origin: germline.
Comment: This sequence change replaces threonine, which is neutral and polar, with methionine, which is neutral and non-polar, at codon 157 of the LMNA protein (p.Thr157Met). The frequency data for this variant in the population databases is considered unreliable, as metrics indicate poor data quality at this position in the gnomAD database. This variant has not been reported in the literature in individuals affected with LMNA-related conditions. ClinVar contains an entry for this variant (Variation ID: 1039429). Invitae Evidence Modeling of protein sequence and biophysical properties (such as structural, functional, and spatial information, amino acid conservation, physicochemical variation, residue mobility, and thermodynamic stability) indicates that this missense variant is expected to disrupt LMNA protein function with a positive predictive value of 95%. In summary, the available evidence is currently insufficient to determine the role of this variant in disease. Therefore, it has been classified as a Variant of Uncertain Significance.

Ambry Genetics
Classification: Uncertain significance for Cardiovascular phenotype. Last evaluated: 2024-10-15. Review status: criteria provided, single submitter. Criteria: Ambry Variant Classification Scheme 2023. Collection method: clinical testing. Allele origin: germline.
Comment: The p.T157M variant (also known as c.470C>T), located in coding exon 2 of the LMNA gene, results from a C to T substitution at nucleotide position 470. The threonine at codon 157 is replaced by methionine, an amino acid with similar properties. This amino acid position is not well conserved in available vertebrate species. In addition, the in silico prediction for this alteration is inconclusive. Based on the available evidence, the clinical significance of this variant remains unclear.

PreventionGenetics, part of Exact Sciences
Classification: Uncertain significance for LMNA-related condition. Last evaluated: 2024-04-24. Review status: no assertion criteria provided. Collection method: clinical testing. Allele origin: germline. Not counted in ClinVar's aggregate classification.
Comment: The LMNA c.470C>T variant is predicted to result in the amino acid substitution p.Thr157Met. To our knowledge, this variant has not been reported in the literature or in an included sub-population within gnomAD. At this time, the clinical significance of this variant is uncertain due to the absence of conclusive functional and genetic evidence.

NM_170707.4(LMNA):c.470C>T (p.Thr157Met)

Genes: LMNA (lamin A/C; plus strand), LOC126805877 (MED14-independent group 3 enhancer GRCh37_chr1:156099693-156100892; plus strand). Cytogenetic location: 1q22.
Variant type: single nucleotide variant.
Coding change: c.470C>T on transcript NM_170707.4 (MANE Select); coding-DNA position 470, C replaced by T.
Protein change: p.Thr157Met; replaces threonine 157 with methionine.
Molecular consequence: missense variant.
Genome position (GRCh38, 1-based): chr1:156,130,730, C>T. VCF-style: chr1-156130730-C-T. GRCh37 (hg19) VCF-style: chr1-156100521-C-T.
Other names: c.470C>T (NM_170707.3); c.134C>T, p.Thr45Met (NM_001257374.3); c.227C>T, p.Thr76Met (NM_001282624.2); c.470C>T, p.Thr157Met (NM_001282625.2, NM_001282626.2, NM_005572.4 and 1 more transcripts); short protein forms T45M, T157M, T76M.
Identifiers: ClinVar variation 1039429 (VCV001039429.13), dbSNP rs754097769, ClinGen allele CA053530.